The following is an entry in ClinVar:

NM_206933.4(USH2A):c.110T>A (p.Phe37Tyr)

Gene: USH2A (usherin; minus strand). Cytogenetic location: 1q41.
Variant type: single nucleotide variant.
Coding change: c.110T>A on transcript NM_206933.4 (MANE Select); coding-DNA position 110, T replaced by A.
Protein change: p.Phe37Tyr; replaces phenylalanine 37 with tyrosine.
Molecular consequence: missense variant.
Genome position (GRCh38, 1-based): chr1:216,422,227, A>T on the plus strand (T>A on the coding strand, the complement: USH2A is on the minus strand). VCF-style: chr1-216422227-A-T. GRCh37 (hg19) VCF-style: chr1-216595569-A-T.
Other names: c.110T>A, p.Phe37Tyr (NM_007123.6); short protein forms F37Y.
Identifiers: ClinVar variation 2095174 (VCV002095174.1), dbSNP rs2039690517, ClinGen allele CA344905005.

ClinVar aggregate classification (germline): Uncertain significance (1 of 4 stars; one submission).

Allele frequency attached by ClinVar (database versions not stated): gnomAD exomes below 0.00001; TOPMed 0.00001.
gnomAD v4.1: 3 of 1,612,758 alleles (0.00019%); highest among the groups gnomAD compares: Admixed American, 0.0017%; no homozygotes.

Submission:

Labcorp Genetics (formerly Invitae), Labcorp
Classification: Uncertain significance. Last evaluated: 2022-02-08. Review status: criteria provided, single submitter. Criteria: Invitae Variant Classification Sherloc (09022015). Collection method: clinical testing. Allele origin: germline.
Comment: This sequence change replaces phenylalanine, which is neutral and non-polar, with tyrosine, which is neutral and polar, at codon 37 of the USH2A protein (p.Phe37Tyr). This variant is not present in population databases (gnomAD no frequency). This variant has not been reported in the literature in individuals affected with USH2A-related conditions. Algorithms developed to predict the effect of missense changes on protein structure and function are either unavailable or do not agree on the potential impact of this missense change (SIFT: "Deleterious"; PolyPhen-2: "Probably Damaging"; Align-GVGD: "Class C0"). In summary, the available evidence is currently insufficient to determine the role of this variant in disease. Therefore, it has been classified as a Variant of Uncertain Significance.